The following is an entry in ClinVar:

NM_001377.3(DYNC2H1):c.11185C>T (p.Pro3729Ser)

Gene: DYNC2H1 (dynein cytoplasmic 2 heavy chain 1; plus strand). Cytogenetic location: 11q22.3.
Variant type: single nucleotide variant.
Coding change: c.11185C>T on transcript NM_001377.3 (MANE Select); coding-DNA position 11185, C replaced by T.
Protein change: p.Pro3729Ser; replaces proline 3729 with serine.
Molecular consequence: missense variant.
Genome position (GRCh38, 1-based): chr11:103,303,182, C>T. VCF-style: chr11-103303182-C-T. GRCh37 (hg19) VCF-style: chr11-103173911-C-T.
Other names: p.Pro3736Ser; c.11206C>T, p.Pro3736Ser (NM_001080463.2); short protein forms P3736S, P3729S.
Identifiers: ClinVar variation 878868 (VCV000878868.15), dbSNP rs199766341, ClinGen allele CA6255177.

ClinVar aggregate classification (germline): Conflicting classifications of pathogenicity. Review status: criteria provided, conflicting classifications (1 of 4 stars). 7 submissions from 7 submitters: Uncertain significance (5); Likely benign (1). 1 of the submissions does not count toward it. Last evaluated 2026-01-26.

Conditions:
Jeune thoracic dystrophy. Also called: Short-rib thoracic dysplasia; Jeune syndrome; Infantile thoracic dystrophy; Thoracic pelvic phalangeal dystrophy; Jeune's syndrome; Chondroectodermal dysplasia-like syndrome. Identifiers: Orphanet 474, MedGen C0265275, MONDO:0018770.
Retinal dystrophy. Also called: Inherited retinal dystrophy. Identifiers: Orphanet 71862, MedGen C0854723, MeSH D058499, MONDO:0019118, HP:0000556.
Inborn genetic diseases. Identifiers: MedGen C0950123, MeSH D030342.
Asphyxiating thoracic dystrophy 3. Also called: SHORT-RIB THORACIC DYSPLASIA 3 WITH OR WITHOUT POLYDACTYLY; POLYDACTYLY WITH NEONATAL CHONDRODYSTROPHY, TYPE I; SHORT-RIB THORACIC DYSPLASIA 3/6 WITH POLYDACTYLY, DIGENIC; Short rib polydactyly syndrome 2B; Saldino-Noonan Syndrome. Identifiers: Orphanet 474, Orphanet 93269, Orphanet 93270, Orphanet 93271, MedGen C0036069, MONDO:0013127, OMIM 613091.

Allele frequency attached by ClinVar (database versions not stated): ESP Exome Variant Server 0.00034; gnomAD 0.00011 and 0.00012; ExAC 0.00015; gnomAD exomes 0.00020 and 0.00032; TOPMed 0.00028.
gnomAD v4.1: 483 of 1,612,518 alleles (0.03%); highest among the groups gnomAD compares: Non-Finnish European, 0.035%; 1 homozygote.

Submissions (7):

Labcorp Genetics (formerly Invitae), Labcorp
Classification: Likely benign for Jeune thoracic dystrophy. Last evaluated: 2026-01-26. Review status: criteria provided, single submitter. Criteria: Invitae Variant Classification Sherloc (09022015). Collection method: clinical testing. Allele origin: germline.

Ambry Genetics
Classification: Uncertain significance for Inborn genetic diseases. Last evaluated: 2025-06-24. Review status: criteria provided, single submitter. Criteria: Ambry Variant Classification Scheme 2023. Collection method: clinical testing. Allele origin: germline.

GeneDx
Classification: Uncertain significance. Last evaluated: 2024-04-19. Review status: criteria provided, single submitter. Criteria: GeneDx Variant Classification Process June 2021. Collection method: clinical testing. Allele origin: germline. Affected: yes.
Comment: In silico analysis supports that this missense variant has a deleterious effect on protein structure/function; Has not been previously published as pathogenic or benign to our knowledge

Mayo Clinic Laboratories, Mayo Clinic
Classification: Uncertain significance. Last evaluated: 2023-08-31. Review status: criteria provided, single submitter. Criteria: ACMG Guidelines, 2015. Collection method: clinical testing. Allele origin: germline. Observed: 1 variant allele.
Comment: BP4

Blueprint Genetics
Classification: Uncertain significance. Last evaluated: 2023-01-26. Review status: criteria provided, single submitter. Criteria: ACMG Guidelines, 2015. Collection method: clinical testing. Allele origin: germline.

Illumina Laboratory Services, Illumina
Classification: Uncertain significance for Asphyxiating thoracic dystrophy 3. Last evaluated: 2018-01-12. Review status: criteria provided, single submitter. Criteria: ICSL Variant Classification Criteria 13 December 2019. Collection method: clinical testing. Allele origin: germline.

Institute of Human Genetics, Univ. Regensburg, Univ. Regensburg
Classification: Uncertain significance for Retinal dystrophy. Last evaluated: 2022-01-01. Review status: no assertion criteria provided. Criteria: ACMG Guidelines, 2015. Collection method: clinical testing. Allele origin: germline. Affected: yes. Not counted in ClinVar's aggregate classification.

Literature cited by the submitters: PubMed 23339108 (cited by Mayo Clinic Laboratories, Mayo Clinic).